The following is an entry in ClinVar:

NM_017433.5(MYO3A):c.3949T>C (p.Cys1317Arg)

Gene: MYO3A (myosin IIIA; plus strand). Cytogenetic location: 10p12.1.
Variant type: single nucleotide variant.
Coding change: c.3949T>C on transcript NM_017433.5 (MANE Select); coding-DNA position 3949, T replaced by C.
Protein change: p.Cys1317Arg; replaces cysteine 1317 with arginine.
Molecular consequence: missense variant.
Genome position (GRCh38, 1-based): chr10:26,174,213, T>C. VCF-style: chr10-26174213-T-C. GRCh37 (hg19) VCF-style: chr10-26463142-T-C.
Other names: short protein forms C1317R.
Identifiers: ClinVar variation 1499637 (VCV001499637.7), dbSNP rs147011382, ClinGen allele CA5445348.

ClinVar aggregate classification (germline): Uncertain significance. Review status: criteria provided, multiple submitters, no conflicts (2 of 4 stars). 2 submissions from 2 submitters: Uncertain significance (2). Last evaluated 2025-11-24.

Allele frequency attached by ClinVar (database versions not stated): gnomAD 0.00001; ExAC 0.00002; gnomAD exomes 0.00002; TOPMed 0.00002; ESP Exome Variant Server 0.00015.
gnomAD v4.1: 41 of 1,614,066 alleles (0.0025%); highest among the groups gnomAD compares: African/African-American, 0.0053%; no homozygotes.

Submissions (2):

Labcorp Genetics (formerly Invitae), Labcorp
Classification: Uncertain significance. Last evaluated: 2025-11-24. Review status: criteria provided, single submitter. Criteria: Invitae Variant Classification Sherloc (09022015). Collection method: clinical testing. Allele origin: germline.
Comment: This sequence change replaces cysteine, which is neutral and slightly polar, with arginine, which is basic and polar, at codon 1317 of the MYO3A protein (p.Cys1317Arg). This variant is present in population databases (rs147011382, gnomAD 0.007%). This variant has not been reported in the literature in individuals affected with MYO3A-related conditions. ClinVar contains an entry for this variant (Variation ID: 1499637). Invitae Evidence Modeling of protein sequence and biophysical properties (such as structural, functional, and spatial information, amino acid conservation, physicochemical variation, residue mobility, and thermodynamic stability) indicates that this missense variant is not expected to disrupt MYO3A protein function with a negative predictive value of 80%. In summary, the available evidence is currently insufficient to determine the role of this variant in disease. Therefore, it has been classified as a Variant of Uncertain Significance.

Blueprint Genetics
Classification: Uncertain significance. Last evaluated: 2023-06-19. Review status: criteria provided, single submitter. Criteria: ACMG Guidelines, 2015. Collection method: clinical testing. Allele origin: germline.